The following is an entry in ClinVar:

ClinVar aggregate classification (germline): Pathogenic. Review status: criteria provided, multiple submitters, no conflicts (2 of 4 stars). 3 submissions from 3 submitters: Pathogenic (2). 1 of the submissions does not count toward it. Last evaluated 2023-12-15.

Conditions:
Cutis laxa with osteodystrophy (ARCL2A). Also called: CUTIS LAXA WITH CONGENITAL DISORDER OF GLYCOSYLATION; Autosomal recessive cutis laxa type 2A; Debré-Type Cutis Laxa; CUTIS LAXA, AUTOSOMAL RECESSIVE, TYPE IIA; CUTIS LAXA WITH BONE DYSTROPHY; CUTIS LAXA WITH GROWTH AND DEVELOPMENTAL DELAY. Identifiers: Orphanet 357058, MedGen C0268355, MONDO:0018163, OMIM 219200. Disease mechanism: loss of function.
ALG9 congenital disorder of glycosylation (CDG1L). Also called: CONGENITAL DISORDER OF GLYCOSYLATION, TYPE Il; ALG9-CDG; CDG Il. Identifiers: Orphanet 79328, MedGen C2931006, MONDO:0012117, OMIM 608776.

Allele frequency attached by ClinVar (database versions not stated): gnomAD exomes below 0.00001.
gnomAD v4.1: 4 of 1,613,682 alleles (0.00025%); highest among the groups gnomAD compares: Non-Finnish European, 0.00034%; no homozygotes.

Submissions (3):

Labcorp Genetics (formerly Invitae), Labcorp
Classification: Pathogenic for ALG9 congenital disorder of glycosylation. Last evaluated: 2023-12-15. Review status: criteria provided, single submitter. Criteria: Invitae Variant Classification Sherloc (09022015). Collection method: clinical testing. Allele origin: germline.
Comment: This sequence change affects an acceptor splice site in intron 7 of the ATP6V0A2 gene. RNA analysis indicates that disruption of this splice site induces altered splicing and may result in an absent or disrupted protein product. This variant is not present in population databases (gnomAD no frequency). Disruption of this splice site has been observed in individual(s) with autosomal recessive cutis laxa type 2 (PMID: 18157129). ClinVar contains an entry for this variant (Variation ID: 21501). Studies have shown that disruption of this splice site results in intron 7 retention and introduces a premature termination codon (PMID: 18157129). The resulting mRNA is expected to undergo nonsense-mediated decay. For these reasons, this variant has been classified as Pathogenic.

GeneDx
Classification: Pathogenic. Last evaluated: 2022-02-17. Review status: criteria provided, single submitter. Criteria: GeneDx Variant Classification Process June 2021. Collection method: clinical testing. Allele origin: germline. Affected: yes.
Comment: Splice site variant predicted to result in a null allele in a gene for which loss-of-function is a known mechanism of disease; Not observed at significant frequency in large population cohorts (gnomAD); This variant is associated with the following publications: (PMID: 18157129)

GeneReviews
No classification provided. Condition: Cutis laxa with osteodystrophy. Review status: no classification provided. Collection method: literature only. Allele origin: unknown. Not counted in ClinVar's aggregate classification.

Literature cited by the submitters: PubMed 18157129 (cited by Labcorp Genetics (formerly Invitae), Labcorp and GeneReviews); PubMed 20301755 (cited by GeneReviews); NCBI Bookshelf NBK5200 (cited by GeneReviews).

NM_012463.4(ATP6V0A2):c.732-2A>G

Gene: ATP6V0A2 (ATPase H+ transporting V0 subunit a2; plus strand). Cytogenetic location: 12q24.31.
Variant type: single nucleotide variant.
Coding change: c.732-2A>G on transcript NM_012463.4 (MANE Select); the canonical splice acceptor site of the intron before coding-DNA position 732, A replaced by G.
Molecular consequence: splice acceptor variant.
Genome position (GRCh38, 1-based): chr12:123,735,529, A>G. VCF-style: chr12-123735529-A-G. GRCh37 (hg19) VCF-style: chr12-124220076-A-G.
Identifiers: ClinVar variation 21501 (VCV000021501.8), dbSNP rs80356753, ClinGen allele CA342139.